The following is an entry in ClinVar:

NM_001323289.2(CDKL5):c.205C>T (p.Gln69Ter)

Gene: CDKL5 (cyclin dependent kinase like 5; plus strand). Cytogenetic location: Xp22.13.
Variant type: single nucleotide variant.
Coding change: c.205C>T on transcript NM_001323289.2 (MANE Select); coding-DNA position 205, C replaced by T.
Protein change: p.Gln69Ter; replaces glutamine 69 with a stop codon.
Molecular consequence: nonsense.
Genome position (GRCh38, 1-based): chrX:18,575,413, C>T. VCF-style: chrX-18575413-C-T. GRCh37 (hg19) VCF-style: chrX-18593533-C-T.
Other names: c.205C>T, p.Gln69Ter (NM_001037343.2, NM_003159.3); short protein forms Q69*.
Identifiers: ClinVar variation 1785194 (VCV001785194.3), dbSNP rs2518844612, ClinGen allele CA412348653.

ClinVar aggregate classification (germline): Pathogenic. Review status: criteria provided, multiple submitters, no conflicts (2 of 4 stars). 2 submissions from 2 submitters: Pathogenic (2). Last evaluated 2025-02-17.

Conditions:
Inborn genetic diseases. Identifiers: MedGen C0950123, MeSH D030342.
Developmental and epileptic encephalopathy, 2 (DEE2). Also called: CDKL5 deficiency disorder; INFANTILE SPASM SYNDROME, X-LINKED 2. Identifiers: Orphanet 1934, Orphanet 3451, Orphanet 505652, MedGen C4750718, MONDO:0010396, OMIM 300672.

Submissions (2):

3billion
Classification: Pathogenic for Developmental and epileptic encephalopathy, 2. Last evaluated: 2025-02-17. Review status: criteria provided, single submitter. Criteria: ACMG Guidelines, 2015. Collection method: clinical testing. Allele origin: germline. Affected: yes.
Comment: The variant is not observed in the gnomAD v4.1.0 dataset. Predicted Consequence/Location: Stop-gained (nonsense): predicted to result in a loss or disruption of normal protein function through nonsense-mediated decay (NMD) or protein truncation. Multiple pathogenic variants are reported downstream of the variant. The variant has been reported to be associated with CDKL5-related disorder (ClinVar ID: VCV001785194 /PMID: 29264392). Therefore, this variant is classified as Pathogenic according to the recommendation of ACMG/AMP guideline.

Ambry Genetics
Classification: Pathogenic for Inborn genetic diseases. Last evaluated: 2017-09-28. Review status: criteria provided, single submitter. Criteria: Ambry Variant Classification Scheme 2023. Collection method: clinical testing. Allele origin: germline.
Comment: The p.Q69* pathogenic mutation (also known as c.205C>T), located in coding exon 4 of the CDKL5 gene, results from a C to T substitution at nucleotide position 205. This changes the amino acid from a glutamine to a stop codon within coding exon 4. This alteration is expected to result in loss of function by premature protein truncation or nonsense-mediated mRNA decay. As such, this alteration is interpreted as a disease-causing mutation.

Literature cited by the submitters: PubMed 29264392 (cited by 3billion).